The following is an entry in ClinVar:

NM_201384.3(PLEC):c.12444G>A (p.Thr4148=)

Gene: PLEC (plectin; minus strand). Cytogenetic location: 8q24.3.
Variant type: single nucleotide variant.
Coding change: c.12444G>A on transcript NM_201384.3 (MANE Select); coding-DNA position 12444, G replaced by A.
Protein change: p.Thr4148=; no amino-acid change (threonine 4148 retained).
Molecular consequence: synonymous variant.
Genome position (GRCh38, 1-based): chr8:143,917,377, C>T on the plus strand (G>A on the coding strand, the complement: PLEC is on the minus strand). VCF-style: chr8-143917377-C-T. GRCh37 (hg19) VCF-style: chr8-144991545-C-T.
Other names: c.12525G>A, p.Thr4175= (NM_000445.5); c.12402G>A, p.Thr4134= (NM_201378.4); c.12378G>A, p.Thr4126= (NM_201379.3); c.12855G>A, p.Thr4285= (NM_201380.4); c.12348G>A, p.Thr4116= (NM_201381.3); c.12444G>A, p.Thr4148= (NM_201382.4); c.12456G>A, p.Thr4152= (NM_201383.3).
Identifiers: ClinVar variation 497005 (VCV000497005.17), dbSNP rs143548638, ClinGen allele CA4924080.

ClinVar aggregate classification (germline): Conflicting classifications of pathogenicity. Review status: criteria provided, conflicting classifications (1 of 4 stars). 4 submissions from 4 submitters: Uncertain significance (1); Likely benign (2). 1 of the submissions does not count toward it. Last evaluated 2025-11-08.

Conditions:
Epidermolysis bullosa simplex 5B, with muscular dystrophy (EBS5B). Also called: EPIDERMOLYSIS BULLOSA SIMPLEX AND LIMB-GIRDLE MUSCULAR DYSTROPHY; Epidermolysis bullosa simplex with muscular dystrophy. Identifiers: Orphanet 257, MedGen C2931072, MONDO:0009181, OMIM 226670.
Autosomal recessive limb-girdle muscular dystrophy type 2Q (LGMDR17). Also called: MUSCULAR DYSTROPHY, LIMB-GIRDLE, AUTOSOMAL RECESSIVE 17. Identifiers: Orphanet 254361, MedGen C3150989, MONDO:0013390, OMIM 613723.
Epidermolysis bullosa simplex, Ogna type (EBS5A). Also called: Pidermolysis bullosa simplex 5A, Ogna type; EPIDERMOLYSIS BULLOSA SIMPLEX 5A, OGNA TYPE. Identifiers: Orphanet 79401, MedGen C0432317, MONDO:0007555, OMIM 131950.
Epidermolysis bullosa simplex with nail dystrophy (EBS5D). Identifiers: MedGen C4225309, MONDO:0014661, OMIM 616487.
Epidermolysis bullosa simplex 5C, with pyloric atresia (EBS5C). Also called: PLEC-Related Epidermolysis Bullosa with Pyloric Atresia; Epidermolysis bullosa simplex with pyloric atresia; PLEC1-Related Epidermolysis Bullosa with Pyloric Atresia. Identifiers: Orphanet 158684, MedGen C2677349, MONDO:0012807, OMIM 612138.
PLEC-related disorder. Also called: PLEC-related condition; PLEC-related disorders.

Allele frequency attached by ClinVar (database versions not stated): ESP Exome Variant Server 0.00008; TOPMed 0.00014; gnomAD 0.00016 and 0.00019; gnomAD exomes 0.00016 and 0.00028; ExAC 0.00017; 1000 Genomes Project 30x 0.00078; 1000 Genomes Project 0.00080.
gnomAD v4.1: 431 of 1,611,290 alleles (0.027%); highest among the groups gnomAD compares: Non-Finnish European, 0.033%; no homozygotes.

Submissions (4):

Labcorp Genetics (formerly Invitae), Labcorp
Classification: Likely benign for Autosomal recessive limb-girdle muscular dystrophy type 2Q; Epidermolysis bullosa simplex, Ogna type; Epidermolysis bullosa simplex with nail dystrophy; Epidermolysis bullosa simplex 5C, with pyloric atresia; Epidermolysis bullosa simplex 5B, with muscular dystrophy. Last evaluated: 2025-11-08. Review status: criteria provided, single submitter. Criteria: Invitae Variant Classification Sherloc (09022015). Collection method: clinical testing. Allele origin: germline.

Blueprint Genetics
Classification: Likely benign. Last evaluated: 2024-09-18. Review status: criteria provided, single submitter. Criteria: ACMG Guidelines, 2015. Collection method: clinical testing. Allele origin: germline.

Eurofins Ntd Llc (ga)
Classification: Uncertain significance. Last evaluated: 2017-02-09. Review status: criteria provided, single submitter. Criteria: EGL Classification Definitions 2015. Collection method: clinical testing. Allele origin: germline. Observed: 4 variant alleles, 4 heterozygotes.

PreventionGenetics, part of Exact Sciences
Classification: Likely benign for PLEC-related condition. Last evaluated: 2020-06-29. Review status: no assertion criteria provided. Collection method: clinical testing. Allele origin: germline. Not counted in ClinVar's aggregate classification.
Comment: This variant is classified as likely benign based on ACMG/AMP sequence variant interpretation guidelines (Richards et al. 2015 PMID: 25741868, with internal and published modifications).